The following is an entry in ClinVar:

ClinVar aggregate classification (germline): Benign (1 of 4 stars; one submission).

Allele frequency attached by ClinVar (database versions not stated): 1000 Genomes Project 0.57248; 1000 Genomes Project 30x 0.57277; gnomAD 0.59866 and 0.59878; TOPMed 0.60163.
gnomAD v4.1: 90,342 of 151,110 alleles (60%); highest among the groups gnomAD compares: Admixed American, 69%; 27,283 homozygotes.

Submission:

GeneDx
Classification: Benign. Last evaluated: 2018-06-14. Review status: criteria provided, single submitter. Criteria: GeneDx Variant Classification (06012015). Collection method: clinical testing. Allele origin: germline. Affected: yes.
Comment: This variant is considered likely benign or benign based on one or more of the following criteria: it is a conservative change, it occurs at a poorly conserved position in the protein, it is predicted to be benign by multiple in silico algorithms, and/or has population frequency not consistent with disease.

NM_001377.3(DYNC2H1):c.7438-286G>C

Gene: DYNC2H1 (dynein cytoplasmic 2 heavy chain 1; plus strand). Cytogenetic location: 11q22.3.
Variant type: single nucleotide variant.
Coding change: c.7438-286G>C on transcript NM_001377.3 (MANE Select); 286 bases into the intron before coding-DNA position 7438, G replaced by C.
Molecular consequence: intron variant.
Genome position (GRCh38, 1-based): chr11:103,191,231, G>C. VCF-style: chr11-103191231-G-C. GRCh37 (hg19) VCF-style: chr11-103061960-G-C.
Other names: c.7438-286G>C (NM_001080463.2).
Identifiers: ClinVar variation 667719 (VCV000667719.1), dbSNP rs1278729, ClinGen allele CA13394863.